The following is an entry in ClinVar:

NM_001042492.3(NF1):c.6381_6384del (p.Asn2128fs)

Gene: NF1 (neurofibromin 1; plus strand). Cytogenetic location: 17q11.2.
Variant type: Deletion.
Coding change: c.6381_6384del on transcript NM_001042492.3 (MANE Select); coding-DNA positions 6381 to 6384, 4 bases deleted (TAAT; older notation c.6381_6384delTAAT).
Protein change: p.Asn2128fs; shifts the reading frame from asparagine 2128.
Molecular consequence: frameshift variant.
Genome position (GRCh38, 1-based): chr17:31,336,868-31,336,871, TAAT deleted; deleting any 4 consecutive bases within chr17:31,336,866-31,336,871 gives the same sequence; the c. name uses the placement nearest the transcript's 3' end. VCF-style (leftmost placement, unchanged base first): chr17-31336865-CATTA-C. GRCh37 (hg19) VCF-style: chr17-29663883-CATTA-C.
Other names: c.6318_6321del, p.Asn2107fs (NM_000267.4); short protein forms N2107fs, N2128fs.
Identifiers: ClinVar variation 4119127 (VCV004119127.1).

ClinVar aggregate classification (germline): Pathogenic (1 of 4 stars; one submission).

Conditions:
Cardiovascular phenotype. Identifiers: MedGen CN230736.
Hereditary cancer-predisposing syndrome. Also called: Hereditary neoplastic syndrome; Neoplastic Syndromes, Hereditary; Tumor predisposition; Hereditary Cancer Syndrome. Identifiers: Orphanet 140162, MedGen C0027672, MeSH D009386, MONDO:0015356.

Submission:

Ambry Genetics
Classification: Pathogenic for Cardiovascular phenotype; Hereditary cancer-predisposing syndrome. Last evaluated: 2025-08-05. Review status: criteria provided, single submitter. Criteria: Ambry Variant Classification Scheme 2023. Collection method: clinical testing. Allele origin: germline.
Comment: The c.6318_6321delTAAT pathogenic mutation, located in coding exon 41 of the NF1 gene, results from a deletion of 4 nucleotides at nucleotide positions 6318 to 6321, causing a translational frameshift with a predicted alternate stop codon (p.N2107Sfs*21). This variant is considered to be rare based on population cohorts in the Genome Aggregation Database (gnomAD). This alteration is expected to result in loss of function by premature protein truncation or nonsense-mediated mRNA decay. As such, this alteration is interpreted as a disease-causing mutation.